The following is an entry in ClinVar:

NM_001994.3(F13B):c.796G>C (p.Val266Leu)

Gene: F13B (coagulation factor XIII B chain; minus strand). Cytogenetic location: 1q31.3.
Variant type: single nucleotide variant.
Coding change: c.796G>C on transcript NM_001994.3 (MANE Select); coding-DNA position 796, G replaced by C.
Protein change: p.Val266Leu; replaces valine 266 with leucine.
Molecular consequence: missense variant.
Genome position (GRCh38, 1-based): chr1:197,060,375, C>G on the plus strand (G>C on the coding strand, the complement: F13B is on the minus strand). VCF-style: chr1-197060375-C-G. GRCh37 (hg19) VCF-style: chr1-197029505-C-G.
Other names: short protein forms V266L.
Identifiers: ClinVar variation 294584 (VCV000294584.7), dbSNP rs533222920, ClinGen allele CA1308485.
Genomic context (GRCh38, chr1:197,060,375, plus strand): 5'-TAAAGCTGATAAAGACATGGCATTTTGCGAGTATTAAATTTAAAAATTTACCTTCGCATA[C>G]AGGAGATTCTGGGTACCAACCAAAGTTATAGCATTGAATTAAATCAGATCCACTTAGATA-3'
Protein context (NP_001985.2, residues 256-276): YNFGWYPESP[Val266Leu]CEGRRNRCPP

ClinVar aggregate classification (germline): Conflicting classifications of pathogenicity. Review status: criteria provided, conflicting classifications (1 of 4 stars). 2 submissions from 2 submitters: Uncertain significance (1); Likely benign (1). Last evaluated 2018-01-13.

Conditions:
Factor XIII, b subunit, deficiency of. Also called: Factor XIII subunit B deficiency. Identifiers: Orphanet 331, MedGen C2750481, MONDO:0013190, OMIM 613235, HP:0040234.

Allele frequency attached by ClinVar (database versions not stated): gnomAD 0.00005 and 0.00007; gnomAD exomes 0.00009 and 0.00017; ExAC 0.00015; 1000 Genomes Project 30x 0.00016; 1000 Genomes Project 0.00020; TOPMed 0.00033.
gnomAD v4.1: 137 of 1,611,364 alleles (0.0085%); highest among the groups gnomAD compares: East Asian, 0.27%; 1 homozygote.

Submissions (2):

Illumina Laboratory Services, Illumina
Classification: Uncertain significance for Factor XIII, b subunit, deficiency of. Last evaluated: 2018-01-13. Review status: criteria provided, single submitter. Criteria: ICSL Variant Classification Criteria 13 December 2019. Collection method: clinical testing. Allele origin: germline.

Juno Genomics, Hangzhou Juno Genomics, Inc
Classification: Likely benign for Factor XIII, b subunit, deficiency of. Review status: criteria provided, single submitter. Criteria: ACMG Guidelines, 2015. Collection method: clinical testing. Allele origin: germline.
Comment: Absent from controls (or at extremely low frequency if recessive) in Genome Aggregation Database.;Multiple lines of computational evidence suggest no impact on gene or gene product.